The following is an entry in ClinVar:

ClinVar aggregate classification (germline): Uncertain significance (1 of 4 stars; one submission).

gnomAD v4.1: 19 of 1,208,788 alleles (0.0016%); highest among the groups gnomAD compares: Non-Finnish European, 0.0019%; no homozygotes.

Submission:

Labcorp Genetics (formerly Invitae), Labcorp
Classification: Uncertain significance. Last evaluated: 2025-01-01. Review status: criteria provided, single submitter. Criteria: Invitae Variant Classification Sherloc (09022015). Collection method: clinical testing. Allele origin: germline.
Comment: This sequence change falls in intron 4 of the GNMT gene. It does not directly change the encoded amino acid sequence of the GNMT protein. It affects a nucleotide within the consensus splice site. The frequency data for this variant in the population databases is considered unreliable, as metrics indicate poor data quality at this position in the gnomAD database. This variant has not been reported in the literature in individuals affected with GNMT-related conditions. Variants that disrupt the consensus splice site are a relatively common cause of aberrant splicing (PMID: 17576681, 9536098). Algorithms developed to predict the effect of sequence changes on RNA splicing suggest that this variant is not likely to affect RNA splicing. In summary, the available evidence is currently insufficient to determine the role of this variant in disease. Therefore, it has been classified as a Variant of Uncertain Significance.

Literature cited by the submitters: PubMed 17576681; PubMed 9536098.

NM_018960.6(GNMT):c.594+6G>A

Genes: CNPY3-GNMT (CNPY3-GNMT readthrough; plus strand), GNMT (glycine N-methyltransferase; plus strand). Cytogenetic location: 6p21.1.
Variant type: single nucleotide variant.
Coding change: c.594+6G>A on transcript NM_018960.6 (MANE Select); 6 bases into the intron after coding-DNA position 594, G replaced by A.
Molecular consequence: intron variant.
Genome position (GRCh38, 1-based): chr6:42,963,220, G>A. VCF-style: chr6-42963220-G-A. GRCh37 (hg19) VCF-style: chr6-42930958-G-A.
Other names: c.396+6G>A (NM_001318856.2); c.411+6G>A (NM_001318857.2); c.303+6G>A (NM_001318858.2); c.537+6G>A (NM_001318865.2).
Identifiers: ClinVar variation 3662841 (VCV003662841.2).